The following is an entry in ClinVar:

ClinVar aggregate classification (germline): Uncertain significance. Review status: criteria provided, multiple submitters, no conflicts (2 of 4 stars). 2 submissions from 2 submitters: Uncertain significance (2). Last evaluated 2025-07-16.

Conditions:
Inborn genetic diseases. Identifiers: MedGen C0950123, MeSH D030342.

Allele frequency attached by ClinVar (database versions not stated): gnomAD exomes 0.00001; TOPMed 0.00001; ExAC 0.00003; gnomAD 0.00003; ESP Exome Variant Server 0.00008.
gnomAD v4.1: 21 of 1,613,992 alleles (0.0013%); highest among the groups gnomAD compares: Non-Finnish European, 0.0017%; no homozygotes.

Submissions (2):

Labcorp Genetics (formerly Invitae), Labcorp
Classification: Uncertain significance. Last evaluated: 2025-07-16. Review status: criteria provided, single submitter. Criteria: Invitae Variant Classification Sherloc (09022015). Collection method: clinical testing. Allele origin: germline.
Comment: This sequence change replaces asparagine, which is neutral and polar, with serine, which is neutral and polar, at codon 1158 of the LRP2 protein (p.Asn1158Ser). This variant is present in population databases (rs368397911, gnomAD 0.01%). This variant has not been reported in the literature in individuals affected with LRP2-related conditions. ClinVar contains an entry for this variant (Variation ID: 1930617). Invitae Evidence Modeling of protein sequence and biophysical properties (such as structural, functional, and spatial information, amino acid conservation, physicochemical variation, residue mobility, and thermodynamic stability) indicates that this missense variant is not expected to disrupt LRP2 protein function with a negative predictive value of 95%. In summary, the available evidence is currently insufficient to determine the role of this variant in disease. Therefore, it has been classified as a Variant of Uncertain Significance.

Ambry Genetics
Classification: Uncertain significance for Inborn genetic diseases. Last evaluated: 2025-06-18. Review status: criteria provided, single submitter. Criteria: Ambry Variant Classification Scheme 2023. Collection method: clinical testing. Allele origin: germline.

NM_004525.3(LRP2):c.3473A>G (p.Asn1158Ser)

Gene: LRP2 (LDL receptor related protein 2; minus strand). Cytogenetic location: 2q31.1.
Variant type: single nucleotide variant.
Coding change: c.3473A>G on transcript NM_004525.3 (MANE Select); coding-DNA position 3473, A replaced by G.
Protein change: p.Asn1158Ser; replaces asparagine 1158 with serine.
Molecular consequence: missense variant.
Genome position (GRCh38, 1-based): chr2:169,243,480, T>C on the plus strand (A>G on the coding strand, the complement: LRP2 is on the minus strand). VCF-style: chr2-169243480-T-C. GRCh37 (hg19) VCF-style: chr2-170099990-T-C.
Other names: c.3473A>G (NM_004525.2); short protein forms N1158S.
Identifiers: ClinVar variation 1930617 (VCV001930617.4), dbSNP rs368397911, ClinGen allele CA1955019.